The following is an entry in ClinVar:

ClinVar aggregate classification (germline): Likely pathogenic (1 of 4 stars; one submission).

Conditions:
Hereditary cancer-predisposing syndrome. Also called: Hereditary Cancer Syndrome; Hereditary neoplastic syndrome; Neoplastic Syndromes, Hereditary; Tumor predisposition. Identifiers: Orphanet 140162, MedGen C0027672, MeSH D009386, MONDO:0015356.

Submission:

Sema4
Classification: Likely pathogenic for Hereditary cancer-predisposing syndrome. Last evaluated: 2021-12-11. Review status: criteria provided, single submitter. Criteria: Sema4 Curation Guidelines. Collection method: curation. Allele origin: germline.
Comment: The MSH3 c.2352del (p.F784Lfs*3) variant has not been reported in literature to our knowledge. This variant causes a frameshift at amino acid 784 that results in premature termination 3 amino acids downstream. This alteration is expected to result in loss of function by premature protein truncation or nonsense-mediated mRNA decay. Loss-of-function variants in MSH3 are known to be pathogenic (PMID: 27476653). This variant was not observed in the Genome Aggregation Database (PMID: 32461654), nor in ClinVar. Based on the current evidence available, this variant is interpreted as likely pathogenic.

Literature cited by the submitters: PubMed 27476653.

NM_002439.5(MSH3):c.2352del (p.Phe784fs)

Gene: MSH3 (mutS homolog 3; plus strand). Cytogenetic location: 5q14.1.
Variant type: Deletion.
Coding change: c.2352del on transcript NM_002439.5 (MANE Select); coding-DNA position 2352, one base deleted (T; older notation c.2352delT).
Protein change: p.Phe784fs; shifts the reading frame from phenylalanine 784.
Molecular consequence: frameshift variant.
Genome position (GRCh38, 1-based): chr5:80,778,753, T deleted; the last of 4 consecutive T bases (chr5:80,778,750-80,778,753); deleting any one gives the same sequence. VCF-style (leftmost placement, unchanged base first): chr5-80778749-CT-C. GRCh37 (hg19) VCF-style: chr5-80074568-CT-C.
Other names: short protein forms F784fs.
Identifiers: ClinVar variation 1692669 (VCV001692669.1), dbSNP rs2112007724, ClinGen allele CA2573139948.
Genomic context (GRCh38, chr5:80,778,749, plus strand): 5'-TTTCCTATTTGTGTTCTTTCCCCTCTTCTAGCACAAAAGCTGTGAGCCGCTTTCACTCTC[CT>C]TTTATTGTAGAAAATTACAGACATCTGAATCAGCTCCGGGAGCAGCTAGTCCTTGACTGC-3'